The following is an entry in ClinVar:

NM_001744.6(CAMK4):c.303+1G>C

Gene: CAMK4 (calcium/calmodulin dependent protein kinase IV; plus strand). Cytogenetic location: 5q22.1.
Variant type: single nucleotide variant.
Coding change: c.303+1G>C on transcript NM_001744.6 (MANE Select); the canonical splice donor site of the intron after coding-DNA position 303, G replaced by C.
Molecular consequence: splice donor variant. On other transcripts: intron variant (1).
Genome position (GRCh38, 1-based): chr5:111,374,913, G>C. VCF-style: chr5-111374913-G-C. GRCh37 (hg19) VCF-style: chr5-110710611-G-C.
Other names: c.303+1G>C (NM_001323375.2, NM_001323374.2); c.-206+1G>C (NM_001323377.2); c.-205-19797G>C (NM_001323376.2).
Identifiers: ClinVar variation 4278816 (VCV004278816.1).

ClinVar aggregate classification (germline): Uncertain significance (1 of 4 stars; one submission).

Submission:

GeneDx
Classification: Uncertain significance. Last evaluated: 2025-04-05. Review status: criteria provided, single submitter. Criteria: GeneDx Variant Classification Process June 2021. Collection method: clinical testing. Allele origin: germline. Affected: yes.
Comment: Not observed at significant frequency in large population cohorts (gnomAD); Has not been previously published as pathogenic or benign to our knowledge; Canonical splice site variant in a gene for which loss-of-function is not an established mechanism of disease